The following is an entry in ClinVar:

NM_001042492.3(NF1):c.7038del (p.Asp2346fs)

Gene: NF1 (neurofibromin 1; plus strand). Cytogenetic location: 17q11.2.
Variant type: Deletion.
Coding change: c.7038del on transcript NM_001042492.3 (MANE Select); coding-DNA position 7038, one base deleted (T; older notation c.7038delT).
Protein change: p.Asp2346fs; shifts the reading frame from aspartic acid 2346.
Molecular consequence: frameshift variant.
Genome position (GRCh38, 1-based): chr17:31,340,621, T deleted. VCF-style (leftmost placement, unchanged base first): chr17-31340620-AT-A. GRCh37 (hg19) VCF-style: chr17-29667638-AT-A.
Other names: c.6975delT (NM_000267.3); c.6975delT, p.Asp2325Glufs (NM_000267.4); short protein forms D2346fs, D2325fs.
Identifiers: ClinVar variation 1756396 (VCV001756396.2), dbSNP rs2508770760, ClinGen allele CA2580093207.

ClinVar aggregate classification (germline): Pathogenic (1 of 4 stars; one submission).

Conditions:
Cardiovascular phenotype. Identifiers: MedGen CN230736.
Hereditary cancer-predisposing syndrome. Also called: Neoplastic Syndromes, Hereditary; Tumor predisposition; Hereditary Cancer Syndrome; Hereditary neoplastic syndrome. Identifiers: Orphanet 140162, MedGen C0027672, MeSH D009386, MONDO:0015356.

Submission:

Ambry Genetics
Classification: Pathogenic for Cardiovascular phenotype; Hereditary cancer-predisposing syndrome. Last evaluated: 2022-04-20. Review status: criteria provided, single submitter. Criteria: Ambry Variant Classification Scheme 2023. Collection method: clinical testing. Allele origin: germline.
Comment: The c.6975delT pathogenic mutation, located in coding exon 46 of the NF1 gene, results from a deletion of one nucleotide at nucleotide position 6975, causing a translational frameshift with a predicted alternate stop codon (p.D2325Efs*50). This alteration is expected to result in loss of function by premature protein truncation or nonsense-mediated mRNA decay. As such, this alteration is interpreted as a disease-causing mutation.